The following is an entry in ClinVar:

ClinVar aggregate classification (germline): Conflicting classifications of pathogenicity. Review status: criteria provided, conflicting classifications (1 of 4 stars). 5 submissions from 5 submitters: Uncertain significance (4); Likely benign (1). Last evaluated 2025-09-16.

Conditions:
Cardiovascular phenotype. Identifiers: MedGen CN230736.
Hereditary cancer-predisposing syndrome. Also called: Hereditary neoplastic syndrome; Neoplastic Syndromes, Hereditary; Tumor predisposition; Hereditary Cancer Syndrome. Identifiers: Orphanet 140162, MedGen C0027672, MeSH D009386, MONDO:0015356.
Juvenile myelomonocytic leukemia (JMML). Also called: LEUKEMIA, JUVENILE MYELOMONOCYTIC, SOMATIC. Identifiers: Orphanet 86834, MedGen C0349639, MONDO:0011908, OMIM 607785, HP:0012209.
Neurofibromatosis, type 1 (NF1). Also called: VON RECKLINGHAUSEN DISEASE; Peripheral type neurofibromatosis; NEUROFIBROMATOSIS, TYPE I, SOMATIC; Neurofibromatosis, type I. Identifiers: Orphanet 636, MedGen C0027831, MONDO:0018975, OMIM 162200. Disease mechanism: loss of function.

Allele frequency attached by ClinVar (database versions not stated): gnomAD exomes below 0.00001.
gnomAD v4.1: 1 of 1,613,404 alleles (0.000062%); highest among the groups gnomAD compares: Non-Finnish European, 0.000085%; no homozygotes.

Submissions (5):

Labcorp Genetics (formerly Invitae), Labcorp
Classification: Likely benign for Neurofibromatosis, type 1. Last evaluated: 2025-09-16. Review status: criteria provided, single submitter. Criteria: Invitae Variant Classification Sherloc (09022015). Collection method: clinical testing. Allele origin: germline.

Ambry Genetics
Classification: Uncertain significance for Cardiovascular phenotype; Hereditary cancer-predisposing syndrome. Last evaluated: 2024-12-04. Review status: criteria provided, single submitter. Criteria: Ambry Variant Classification Scheme 2023. Collection method: clinical testing. Allele origin: germline.
Comment: The p.L2602V variant (also known as c.7804C>G), located in coding exon 52 of the NF1 gene, results from a C to G substitution at nucleotide position 7804. The leucine at codon 2602 is replaced by valine, an amino acid with highly similar properties. This amino acid position is highly conserved in available vertebrate species. In addition, the in silico prediction for this alteration is inconclusive. Based on the available evidence, the clinical significance of this variant remains unclear.

Baylor Genetics
Classification: Uncertain significance for Juvenile myelomonocytic leukemia. Last evaluated: 2024-02-11. Review status: criteria provided, single submitter. Criteria: ACMG Guidelines, 2015. Collection method: clinical testing. Allele origin: unknown.

Genome-Nilou Lab
Classification: Uncertain significance for Neurofibromatosis, type 1. Last evaluated: 2022-03-15. Review status: criteria provided, single submitter. Criteria: ACMG Guidelines, 2015. Collection method: clinical testing. Allele origin: germline. Affected: no.

GeneDx
Classification: Uncertain significance. Last evaluated: 2018-05-17. Review status: criteria provided, single submitter. Criteria: GeneDx Variant Classification (06012015). Collection method: clinical testing. Allele origin: germline. Affected: yes.
Comment: This variant is denoted NF1 c.7804C>G at the cDNA level, p.Leu2602Val (L2602V) at the protein level, and results in the change of a Leucine to a Valine (CTA>GTA). This variant has not, to our knowledge, been published in the literature as a pathogenic or benign germline variant. NF1 Leu2602Val was not observed in large population cohorts (Lek 2016). This variant is located in C-terminal domain (Luo 2014). While protein-based in silico analysis supports that this variant does not alter protein structure/function, splicing models predict the loss of the nearby natural splice donor site. However, in the absence of RNA or functional studies, the actual effect of this variant is unknown. Based on currently available evidence, it is unclear whether NF1 Leu2602Val is a pathogenic or benign variant. We consider it to be a variant of uncertain significance.

NM_001042492.3(NF1):c.7867C>G (p.Leu2623Val)

Gene: NF1 (neurofibromin 1; plus strand). Cytogenetic location: 17q11.2.
Variant type: single nucleotide variant.
Coding change: c.7867C>G on transcript NM_001042492.3 (MANE Select); coding-DNA position 7867, C replaced by G.
Protein change: p.Leu2623Val; replaces leucine 2623 with valine.
Molecular consequence: missense variant.
Genome position (GRCh38, 1-based): chr17:31,357,088, C>G. VCF-style: chr17-31357088-C-G. GRCh37 (hg19) VCF-style: chr17-29684106-C-G.
Other names: c.7804C>G, p.Leu2602Val (NM_000267.4); short protein forms L2623V, L2602V.
Identifiers: ClinVar variation 480171 (VCV000480171.15), dbSNP rs1555536721, ClinGen allele CA399018714.